The following is an entry in ClinVar:

NM_000426.4(LAMA2):c.6993-2A>C

Gene: LAMA2 (laminin subunit alpha 2; plus strand). Cytogenetic location: 6q22.33.
Variant type: single nucleotide variant.
Coding change: c.6993-2A>C on transcript NM_000426.4 (MANE Select); the canonical splice acceptor site of the intron before coding-DNA position 6993, A replaced by C.
Molecular consequence: splice acceptor variant.
Genome position (GRCh38, 1-based): chr6:129,464,288, A>C. VCF-style: chr6-129464288-A-C. GRCh37 (hg19) VCF-style: chr6-129785433-A-C.
Other names: c.6993-2A>C (NM_001079823.2).
Identifiers: ClinVar variation 551050 (VCV000551050.15), dbSNP rs200669208, ClinGen allele CA3994416.

ClinVar aggregate classification (germline): Pathogenic/Likely pathogenic. Review status: criteria provided, multiple submitters, no conflicts (2 of 4 stars). 5 submissions from 5 submitters: Pathogenic (3); Likely pathogenic (1). 1 of the submissions does not count toward it. Last evaluated 2025-05-31.

Conditions:
LAMA2-related muscular dystrophy (LAMA2-RD). Also called: Laminin alpha 2-related dystrophy. Identifiers: MedGen C5679788, MONDO:0100228.
Merosin deficient congenital muscular dystrophy (MDC1A). Also called: Congenital merosin-deficient muscular dystrophy 1A; Congenital Muscular Dystrophy Type 1A (MDC1A). Identifiers: Orphanet 258, MedGen C1263858, MONDO:0011925, OMIM 607855.
Muscular dystrophy, limb-girdle, autosomal recessive 23. Identifiers: Orphanet 565837, MedGen C4748327, MONDO:0029136, OMIM 618138.
LAMA2-related disorder. Also called: LAMA2-related disorders; LAMA2-related condition.

Allele frequency attached by ClinVar (database versions not stated): gnomAD 0.00001; TOPMed 0.00001; ExAC 0.00002; gnomAD exomes 0.00002.
gnomAD v4.1: 9 of 1,610,460 alleles (0.00056%); highest among the groups gnomAD compares: Non-Finnish European, 0.00076%; no homozygotes.

Submissions (5):

GeneDx
Classification: Pathogenic. Last evaluated: 2025-05-31. Review status: criteria provided, single submitter. Criteria: GeneDx Variant Classification Process June 2021. Collection method: clinical testing. Allele origin: germline. Affected: yes.
Comment: Observed with a pathogenic or likely pathogenic variant in patients in the published literature, but it is not known whether the variants occurred on the same (in cis) or on different (in trans) chromosomes (PMID: 18700894, 39941024); Canonical splice site variant predicted to result in a null allele in a gene for which loss of function is a known mechanism of disease; Not observed at significant frequency in large population cohorts (gnomAD); This variant is associated with the following publications: (PMID: 25525159, 24611677, 31589614, 39941024, 18700894, 38962616)

Labcorp Genetics (formerly Invitae), Labcorp
Classification: Pathogenic for LAMA2-related muscular dystrophy. Last evaluated: 2025-03-07. Review status: criteria provided, single submitter. Criteria: Invitae Variant Classification Sherloc (09022015). Collection method: clinical testing. Allele origin: germline.
Comment: This sequence change affects an acceptor splice site in intron 49 of the LAMA2 gene. It is expected to disrupt RNA splicing. Variants that disrupt the donor or acceptor splice site typically lead to a loss of protein function (PMID: 16199547), and loss-of-function variants in LAMA2 are known to be pathogenic (PMID: 18700894, 32904964). This variant is present in population databases (rs200669208, gnomAD 0.004%). Disruption of this splice site has been observed in individuals with congenital muscular dystrophy (PMID: 18700894, 24611677). ClinVar contains an entry for this variant (Variation ID: 551050). Algorithms developed to predict the effect of sequence changes on RNA splicing suggest that this variant may disrupt the consensus splice site. For these reasons, this variant has been classified as Pathogenic.

Fulgent Genetics
Classification: Likely pathogenic for Merosin deficient congenital muscular dystrophy; Muscular dystrophy, limb-girdle, autosomal recessive 23. Last evaluated: 2024-01-01. Review status: criteria provided, single submitter. Criteria: ACMG Guidelines, 2015. Collection method: clinical testing. Allele origin: germline.

Blueprint Genetics
Classification: Pathogenic for LAMA2-related disorders. Last evaluated: 2023-03-03. Review status: criteria provided, single submitter. Criteria: ACMG Guidelines, 2015. Collection method: clinical testing. Allele origin: germline. Affected: yes. Observed: 2 variant alleles.

Counsyl
Classification: Likely pathogenic for Merosin deficient congenital muscular dystrophy. Last evaluated: 2017-03-15. Review status: no assertion criteria provided. Collection method: clinical testing. Allele origin: unknown. Not counted in ClinVar's aggregate classification.

Literature cited by the submitters: PubMed 16199547 (cited by Labcorp Genetics (formerly Invitae), Labcorp); PubMed 18700894 (cited by Labcorp Genetics (formerly Invitae), Labcorp and Counsyl); PubMed 32904964 (cited by Labcorp Genetics (formerly Invitae), Labcorp); PubMed 24611677 (cited by Labcorp Genetics (formerly Invitae), Labcorp); PubMed 25525159 (cited by Counsyl).